The following is an entry in ClinVar:

ClinVar aggregate classification (germline): Uncertain significance (1 of 4 stars; one submission).

Conditions:
Hereditary cancer-predisposing syndrome. Also called: Neoplastic Syndromes, Hereditary; Tumor predisposition; Hereditary neoplastic syndrome; Hereditary Cancer Syndrome. Identifiers: Orphanet 140162, MedGen C0027672, MeSH D009386, MONDO:0015356.

Submission:

Ambry Genetics
Classification: Uncertain significance for Hereditary cancer-predisposing syndrome. Last evaluated: 2026-07-06. Review status: criteria provided, single submitter. Criteria: Ambry Variant Classification Scheme 2023. Collection method: clinical testing. Allele origin: germline.
Comment: The p.F290I variant (also known as c.868T>A), located in coding exon 8 of the PMS2 gene, results from a T to A substitution at nucleotide position 868. The phenylalanine at codon 290 is replaced by isoleucine, an amino acid with highly similar properties. This amino acid position is conserved. In addition, the in silico prediction for this alteration is inconclusive. Based on the available evidence, the clinical significance of this variant remains unclear.

NM_000535.7(PMS2):c.868T>A (p.Phe290Ile)

Gene: PMS2 (PMS1 homolog 2, mismatch repair system component; minus strand). Cytogenetic location: 7p22.1.
Variant type: single nucleotide variant.
Coding change: c.868T>A on transcript NM_000535.7 (MANE Select); coding-DNA position 868, T replaced by A.
Protein change: p.Phe290Ile; replaces phenylalanine 290 with isoleucine.
Molecular consequence: missense variant. On other transcripts: 5 prime UTR variant (2), non-coding transcript variant (1), intron variant (4).
Genome position (GRCh38, 1-based): chr7:5,995,569, A>T on the plus strand (T>A on the coding strand, the complement: PMS2 is on the minus strand). VCF-style: chr7-5995569-A-T. GRCh37 (hg19) VCF-style: chr7-6035200-A-T.
Other names: c.559T>A, p.Phe187Ile (NM_001406875.1, NM_001406877.1, NM_001406878.1 and 6 more transcripts); c.550T>A, p.Phe184Ile (NM_001406876.1, NM_001406883.1, NM_001406901.1 and 4 more transcripts); c.700T>A, p.Phe234Ile (NM_001406884.1, NM_001406874.1); c.463T>A, p.Phe155Ile (NM_001406895.1, NM_001406896.1, NM_001406897.1 and 19 more transcripts); c.355T>A, p.Phe119Ile (NM_001406904.1, NM_001406905.1); c.532T>A, p.Phe178Ile (NM_001406885.1); c.868T>A, p.Phe290Ile (NM_001322006.2, NM_001322014.2, NM_001406870.1 and 2 more transcripts); c.-66T>A (NM_001322011.2, NM_001322012.2); and 8 more; short protein forms F184I, F99I, F155I, F178I, F290I, F298I, F119I, F187I.
Identifiers: ClinVar variation 5026914 (VCV005026914.1).